The following is an entry in ClinVar:

NM_000256.3(MYBPC3):c.1183A>G (p.Lys395Glu)

Gene: MYBPC3 (myosin binding protein C3; minus strand). Cytogenetic location: 11p11.2.
Variant type: single nucleotide variant.
Coding change: c.1183A>G on transcript NM_000256.3 (MANE Select); coding-DNA position 1183, A replaced by G.
Protein change: p.Lys395Glu; replaces lysine 395 with glutamic acid.
Molecular consequence: missense variant.
Genome position (GRCh38, 1-based): chr11:47,343,532, T>C on the plus strand (A>G on the coding strand, the complement: MYBPC3 is on the minus strand). VCF-style: chr11-47343532-T-C. GRCh37 (hg19) VCF-style: chr11-47365083-T-C.
Other names: short protein forms K395E.
Identifiers: ClinVar variation 3387134 (VCV003387134.5).
Genomic context (GRCh38, chr11:47,343,532, plus strand): 5'-CTCCCCACCCCAGGCTGCACCTGCCGCTCATCTGGATCTCCTGGCCATTCTTGAGCCATT[T>C]GACCTCAGCGTCATGGTCAGCCAGTTCCACGGTCAGCCGGATCTTGTGGCCTTTGCTCAC-3'
Protein context (NP_000247.2, residues 385-405): VELADHDAEV[Lys395Glu]WLKNGQEIQM

ClinVar aggregate classification (germline): Uncertain significance. Review status: criteria provided, multiple submitters, no conflicts (2 of 4 stars). 4 submissions from 4 submitters: Uncertain significance (4). Last evaluated 2026-07-12.

Conditions:
Hypertrophic cardiomyopathy. Also called: HYPERTROPHIC MYOCARDIOPATHY. Identifiers: Orphanet 217569, MedGen C0007194, MeSH D002312, MONDO:0005045, HP:0001639.
Cardiovascular phenotype. Identifiers: MedGen CN230736.

gnomAD v4.1: 1 of 1,609,506 alleles (0.000062%); highest among the groups gnomAD compares: African/African-American, 0.0013%; no homozygotes.

Submissions (4):

GeneDx
Classification: Uncertain significance. Last evaluated: 2026-07-12. Review status: criteria provided, single submitter. Criteria: GeneDx Variant Classification Process June 2021. Collection method: clinical testing. Allele origin: germline.
Comment: Not observed at significant frequency in large population cohorts (gnomAD); In silico analysis supports that this missense variant has a deleterious effect on protein structure/function; Has not been previously published as pathogenic or benign to our knowledge

Labcorp Genetics (formerly Invitae), Labcorp
Classification: Uncertain significance for Hypertrophic cardiomyopathy. Last evaluated: 2025-11-20. Review status: criteria provided, single submitter. Criteria: Invitae Variant Classification Sherloc (09022015). Collection method: clinical testing. Allele origin: germline.
Comment: This sequence change replaces lysine, which is basic and polar, with glutamic acid, which is acidic and polar, at codon 395 of the MYBPC3 protein (p.Lys395Glu). This variant is not present in population databases (gnomAD no frequency). This variant has not been reported in the literature in individuals affected with MYBPC3-related conditions. ClinVar contains an entry for this variant (Variation ID: 3387134). An algorithm developed to predict the effect of missense changes on protein structure and function (PolyPhen-2) suggests that this variant is likely to be disruptive. In summary, the available evidence is currently insufficient to determine the role of this variant in disease. Therefore, it has been classified as a Variant of Uncertain Significance.

Ambry Genetics
Classification: Uncertain significance for Cardiovascular phenotype. Last evaluated: 2025-01-27. Review status: criteria provided, single submitter. Criteria: Ambry Variant Classification Scheme 2023. Collection method: clinical testing. Allele origin: germline.
Comment: The p.K395E variant (also known as c.1183A>G), located in coding exon 13 of the MYBPC3 gene, results from an A to G substitution at nucleotide position 1183. The lysine at codon 395 is replaced by glutamic acid, an amino acid with similar properties. This amino acid position is conserved. In addition, this alteration is predicted to be deleterious by in silico analysis. Based on the available evidence, the clinical significance of this variant remains unclear.

All of Us Research Program, National Institutes of Health
Classification: Uncertain significance for Hypertrophic cardiomyopathy. Last evaluated: 2024-02-22. Review status: criteria provided, single submitter. Criteria: ACMG Guidelines, 2015. Collection method: clinical testing. Allele origin: germline. Inheritance: Autosomal dominant inheritance. Observed: 1 variant allele, 1 heterozygote.
Comment: This missense variant replaces lysine with glutamic acid at codon 395 of the MYBPC3 protein. Computational prediction is inconclusive regarding the impact of this variant on protein structure and function (internally defined REVEL score threshold 0.5 < inconclusive < 0.7, PMID: 27666373). To our knowledge, functional studies have not been reported for this variant. This variant has not been reported in individuals affected with MYBPC3-related disorders in the literature. This variant has not been identified in the general population by the Genome Aggregation Database (gnomAD). The available evidence is insufficient to determine the role of this variant in disease conclusively. Therefore, this variant is classified as a Variant of Uncertain Significance.

This study involves interpretation of variants in research participants for the purpose of population health screening. Participant phenotype was not available at the time of variant classification. Additional details can be found in publication PMID: 35346344, PMCID: PMC8962531